The following is an entry in ClinVar:

ClinVar aggregate classification (germline): Likely benign (1 of 4 stars; one submission).

Allele frequency attached by ClinVar (database versions not stated): gnomAD 0.00005; TOPMed 0.00006; ExAC 0.00007.
gnomAD v4.1: 105 of 1,613,846 alleles (0.0065%); highest among the groups gnomAD compares: Non-Finnish European, 0.0082%; 1 homozygote.

Submission:

CeGaT Center for Human Genetics Tuebingen
Classification: Likely benign. Last evaluated: 2022-09-01. Review status: criteria provided, single submitter. Criteria: CeGaT Center For Human Genetics Tuebingen Variant Classification Criteria Version 2. Collection method: clinical testing. Allele origin: germline. Affected: yes. Observed: 1 variant allele.
Comment: TLN2: BP4, BP7

NM_015059.3(TLN2):c.5598G>A (p.Ala1866=)

Gene: TLN2 (talin 2; plus strand). Cytogenetic location: 15q22.2.
Variant type: single nucleotide variant.
Coding change: c.5598G>A on transcript NM_015059.3 (MANE Select); coding-DNA position 5598, G replaced by A.
Protein change: p.Ala1866=; no amino-acid change (alanine 1866 retained).
Molecular consequence: synonymous variant.
Genome position (GRCh38, 1-based): chr15:62,781,223, G>A. VCF-style: chr15-62781223-G-A. GRCh37 (hg19) VCF-style: chr15-63073422-G-A.
Other names: c.5598G>A, p.Ala1866= (NM_001394547.1).
Identifiers: ClinVar variation 2645416 (VCV002645416.24), dbSNP rs763448050, ClinGen allele CA7600302.